The following is an entry in ClinVar:

NM_001035.3(RYR2):c.3220A>G (p.Arg1074Gly)

Gene: RYR2 (ryanodine receptor 2; plus strand). Cytogenetic location: 1q43.
Variant type: single nucleotide variant.
Coding change: c.3220A>G on transcript NM_001035.3 (MANE Select); coding-DNA position 3220, A replaced by G.
Protein change: p.Arg1074Gly; replaces arginine 1074 with glycine.
Molecular consequence: missense variant.
Genome position (GRCh38, 1-based): chr1:237,566,572, A>G. VCF-style: chr1-237566572-A-G. GRCh37 (hg19) VCF-style: chr1-237729872-A-G.
Other names: c.3220A>G, p.Arg1074Gly (LRG_402t1); short protein forms R1074G.
Identifiers: ClinVar variation 628798 (VCV000628798.11), dbSNP rs1559038380, ClinGen allele CA071310.
Genomic context (GRCh38, chr1:237,566,572, plus strand): 5'-CTTCTCTTTCACCTCCCCATCCAATGACCACCAGAAATCTCTGTCCATTTCCCAGCAGCC[A>G]GAGCCGAAGTGTGCAGCGGCACCGGGGAAAGGTTCCGAATCTTCCGTGCCGAGAAGACCT-3'
Protein context (NP_001026.2, residues 1064-1084): LEAPDQDHAA[Arg1074Gly]AEVCSGTGER

ClinVar aggregate classification (germline): Uncertain significance. Review status: criteria provided, multiple submitters, no conflicts (2 of 4 stars). 4 submissions from 4 submitters: Uncertain significance (4). Last evaluated 2026-02-04.

Conditions:
Cardiomyopathy (CMYO). Also called: Cardiomyopathies. Identifiers: Orphanet 167848, MedGen C0878544, MONDO:0004994, HP:0001638. Inheritance: Various modes of inheritance.
Cardiovascular phenotype. Identifiers: MedGen CN230736.
Catecholaminergic polymorphic ventricular tachycardia (CVPT). Also called: Catecholamine-induced polymorphic ventricular tachycardia. Identifiers: Orphanet 3286, MedGen C5574922, MONDO:0017990.
Catecholaminergic polymorphic ventricular tachycardia 1. Also called: RYR2-Related Catecholaminergic Polymorphic Ventricular Tachycardia; VENTRICULAR TACHYCARDIA, CATECHOLAMINERGIC POLYMORPHIC, 1, WITH OR WITHOUT ATRIAL DYSFUNCTION AND/OR DILATED CARDIOMYOPATHY; VENTRICULAR TACHYCARDIA, STRESS-INDUCED POLYMORPHIC 1. Identifiers: Orphanet 3286, MedGen C1631597, MONDO:0011484, OMIM 604772.

Allele frequency attached by ClinVar (database versions not stated): gnomAD 0.00001.
gnomAD v4.1: 1 of 1,612,644 alleles (0.000062%); highest among the groups gnomAD compares: Non-Finnish European, 0.000085%; no homozygotes.

Submissions (4):

Labcorp Genetics (formerly Invitae), Labcorp
Classification: Uncertain significance for Catecholaminergic polymorphic ventricular tachycardia 1. Last evaluated: 2026-02-04. Review status: criteria provided, single submitter. Criteria: Invitae Variant Classification Sherloc (09022015). Collection method: clinical testing. Allele origin: germline.
Comment: This sequence change replaces arginine, which is basic and polar, with glycine, which is neutral and non-polar, at codon 1074 of the RYR2 protein (p.Arg1074Gly). This variant is not present in population databases (gnomAD no frequency). This variant has not been reported in the literature in individuals affected with RYR2-related conditions. ClinVar contains an entry for this variant (Variation ID: 628798). Invitae Evidence Modeling of protein sequence and biophysical properties (such as structural, functional, and spatial information, amino acid conservation, physicochemical variation, residue mobility, and thermodynamic stability) indicates that this missense variant is not expected to disrupt RYR2 protein function with a negative predictive value of 95%. In summary, the available evidence is currently insufficient to determine the role of this variant in disease. Therefore, it has been classified as a Variant of Uncertain Significance.

Color Diagnostics, LLC DBA Color Health
Classification: Uncertain significance for Cardiomyopathy. Last evaluated: 2023-12-05. Review status: criteria provided, single submitter. Criteria: ACMG Guidelines, 2015. Collection method: clinical testing. Allele origin: germline.
Comment: Variant of Uncertain Significance due to insufficient evidence: This variant is a missense variant located in the second cytoplasmic SPRY domain of the RYR2 protein. Computational prediction tools and conservation analyses suggest that this variant may have deleterious impact on the protein function. Computational splicing tools suggest that this variant may not impact the RNA splicing. To our knowledge, functional assays have not been performed for this variant nor has the variant been reported in individuals affected with cardiovascular disease in the literature. This variant is rare in the general population and has been identified in 0/277264 chromosomes by the Genome Aggregation Database (gnomAD). Available evidence is insufficient to determine the pathogenicity of this variant conclusively.

Ambry Genetics
Classification: Uncertain significance for Cardiovascular phenotype. Last evaluated: 2023-05-19. Review status: criteria provided, single submitter. Criteria: Ambry Variant Classification Scheme 2023. Collection method: clinical testing. Allele origin: germline.
Comment: The p.R1074G variant (also known as c.3220A>G), located in coding exon 28 of the RYR2 gene, results from an A to G substitution at nucleotide position 3220. The arginine at codon 1074 is replaced by glycine, an amino acid with dissimilar properties. This amino acid position is highly conserved in available vertebrate species. In addition, this alteration is predicted to be deleterious by in silico analysis. Since supporting evidence is limited at this time, the clinical significance of this alteration remains unclear.

All of Us Research Program, National Institutes of Health
Classification: Uncertain significance for Catecholaminergic polymorphic ventricular tachycardia. Last evaluated: 2023-04-27. Review status: criteria provided, single submitter. Criteria: ACMG Guidelines, 2015. Collection method: clinical testing. Allele origin: germline. Inheritance: Autosomal dominant inheritance. Observed: 1 variant allele, 1 heterozygote.
Comment: Variant of Uncertain Significance due to insufficient evidence: This variant is a missense variant located in the second cytoplasmic SPRY domain of the RYR2 protein. Computational prediction tools and conservation analyses suggest that this variant may have deleterious impact on the protein function. Computational splicing tools suggest that this variant may not impact the RNA splicing. To our knowledge, functional assays have not been performed for this variant nor has the variant been reported in individuals affected with cardiovascular disease in the literature. This variant is rare in the general population and has been identified in 0/277264 chromosomes by the Genome Aggregation Database (gnomAD). Available evidence is insufficient to determine the pathogenicity of this variant conclusively.

This study involves interpretation of variants in research participants for the purpose of population health screening. Participant phenotype was not available at the time of variant classification. Additional details can be found in publication PMID: 35346344, PMCID: PMC8962531